The following is an entry in ClinVar:

ClinVar aggregate classification (germline): Conflicting classifications of pathogenicity. Review status: criteria provided, conflicting classifications (1 of 4 stars). 6 submissions from 6 submitters: Uncertain significance (1); Benign (1); Likely benign (4). Last evaluated 2026-01-28.

Conditions:
Inborn genetic diseases. Identifiers: MedGen C0950123, MeSH D030342.
Kleefstra syndrome 1 (KLEFS1). Identifiers: Orphanet 261494, MedGen C0795833, MONDO:0027407, OMIM 610253.

Allele frequency attached by ClinVar (database versions not stated): 1000 Genomes Project 30x 0.00016; gnomAD exomes 0.00017 and 0.00026; 1000 Genomes Project 0.00020; ExAC 0.00026; gnomAD 0.00029 and 0.00031; TOPMed 0.00031.
gnomAD v4.1: 306 of 1,612,530 alleles (0.019%); highest among the groups gnomAD compares: Middle Eastern, 0.43%; 2 homozygotes.

Submissions (6):

Labcorp Genetics (formerly Invitae), Labcorp
Classification: Likely benign for Kleefstra syndrome 1. Last evaluated: 2026-01-28. Review status: criteria provided, single submitter. Criteria: Invitae Variant Classification Sherloc (09022015). Collection method: clinical testing. Allele origin: germline.

Blueprint Genetics
Classification: Likely benign. Last evaluated: 2024-09-23. Review status: criteria provided, single submitter. Criteria: ACMG Guidelines, 2015. Collection method: clinical testing. Allele origin: germline.

CeGaT Center for Human Genetics Tuebingen
Classification: Likely benign. Last evaluated: 2024-07-01. Review status: criteria provided, single submitter. Criteria: CeGaT Center For Human Genetics Tuebingen Variant Classification Criteria Version 2. Collection method: clinical testing. Allele origin: germline. Affected: yes. Observed: 3 variant alleles.
Comment: EHMT1: BP4, BP7

GeneDx
Classification: Benign. Last evaluated: 2019-11-01. Review status: criteria provided, single submitter. Criteria: GeneDx Variant Classification Process June 2021. Collection method: clinical testing. Allele origin: germline. Affected: yes.

Ambry Genetics
Classification: Likely benign for Inborn genetic diseases. Last evaluated: 2016-08-25. Review status: criteria provided, single submitter. Criteria: Ambry Variant Classification Scheme 2023. Collection method: clinical testing. Allele origin: germline.

Genetic Services Laboratory, University of Chicago
Classification: Uncertain significance. Last evaluated: 2015-04-22. Review status: criteria provided, single submitter. Criteria: ACMG Guidelines, 2015. Collection method: clinical testing. Allele origin: germline.

NM_024757.5(EHMT1):c.576G>A (p.Pro192=)

Gene: EHMT1 (euchromatic histone lysine methyltransferase 1; plus strand). Cytogenetic location: 9q34.3.
Variant type: single nucleotide variant.
Coding change: c.576G>A on transcript NM_024757.5 (MANE Select); coding-DNA position 576, G replaced by A.
Protein change: p.Pro192=; no amino-acid change (proline 192 retained).
Molecular consequence: synonymous variant.
Genome position (GRCh38, 1-based): chr9:137,717,116, G>A. VCF-style: chr9-137717116-G-A. GRCh37 (hg19) VCF-style: chr9-140611568-G-A.
Other names: c.576G>A, p.Pro192= (NM_001145527.2, NM_001354263.2, NM_001354611.2); c.483G>A, p.Pro161= (NM_001354259.2, NM_001354612.2).
Identifiers: ClinVar variation 210928 (VCV000210928.48), dbSNP rs574514175, ClinGen allele CA205256.